The following is an entry in ClinVar:

NM_014176.4(UBE2T):c.179+5G>A

Gene: UBE2T (ubiquitin conjugating enzyme E2 T; minus strand). Cytogenetic location: 1q32.1.
Variant type: single nucleotide variant.
Coding change: c.179+5G>A on transcript NM_014176.4 (MANE Select); 5 bases into the intron after coding-DNA position 179, G replaced by A.
Molecular consequence: intron variant.
Genome position (GRCh38, 1-based): chr1:202,334,984, C>T on the plus strand (G>A on the coding strand, the complement: UBE2T is on the minus strand). VCF-style: chr1-202334984-C-T. GRCh37 (hg19) VCF-style: chr1-202304112-C-T.
Other names: IVS2DS, G-A, +5; c.89+5G>A (NM_001310326.2).
Identifiers: ClinVar variation 199437 (VCV000199437.4), dbSNP rs796052212, ClinGen allele CA203829.
Genomic context (GRCh38, chr1:202,334,984, plus strand): 5'-TTGCTCTGTCTCCCAATTTATAAATGCACTTCACCATGTAGGTTGAGAAGCTGATTCATA[C>T]TAACCTCTCAGGAATGATAACTTCTAGCTTAAAAACACCTTTCTCATAAGGTGTGTTGGC-3'

ClinVar aggregate classification (germline): Pathogenic. Review status: no assertion criteria provided (0 of 4 stars). 2 submissions from 2 submitters: Pathogenic (2). Last evaluated 2015-07-19.

Conditions:
Fanconi anemia complementation group T. Identifiers: Orphanet 84, MedGen C4084840, MONDO:0014638, OMIM 616435.

Submissions (2):

Leiden Open Variation Database
Classification: Pathogenic for Fanconi anemia complementation group T. Last evaluated: 2015-07-19. Review status: no assertion criteria provided. Collection method: curation. Allele origin: germline. Affected: yes.
Comment: Curator: Arleen D. Auerbach. Submitter to LOVD: Johan den Dunnen.

OMIM
Classification: Pathogenic for FANCONI ANEMIA, COMPLEMENTATION GROUP T. Last evaluated: 2015-06-04. Review status: no assertion criteria provided. Collection method: literature only. Allele origin: germline.

Literature cited by the submitters: PubMed 26046368 (cited by Leiden Open Variation Database and OMIM).